The following is an entry in ClinVar:

ClinVar aggregate classification (germline): Uncertain significance (1 of 4 stars; one submission).

Submission:

Labcorp Genetics (formerly Invitae), Labcorp
Classification: Uncertain significance. Last evaluated: 2024-09-17. Review status: criteria provided, single submitter. Criteria: Invitae Variant Classification Sherloc (09022015). Collection method: clinical testing. Allele origin: germline.
Comment: This sequence change affects codon 47 of the SOX11 mRNA. It is a 'silent' change, meaning that it does not change the encoded amino acid sequence of the SOX11 protein. This variant is present in population databases (rs756791486, gnomAD 0.007%). This variant has not been reported in the literature in individuals affected with SOX11-related conditions. Experimental studies and prediction algorithms are not available or were not evaluated, and the effect of this variant on mRNA splicing is currently unknown. In summary, the available evidence is currently insufficient to determine the role of this variant in disease. Therefore, it has been classified as a Variant of Uncertain Significance.

NM_003108.4(SOX11):c.141C>T (p.Gly47=)

Gene: SOX11 (SRY-box transcription factor 11; plus strand). Cytogenetic location: 2p25.2.
Variant type: single nucleotide variant.
Coding change: c.141C>T on transcript NM_003108.4 (MANE Select); coding-DNA position 141, C replaced by T.
Protein change: p.Gly47=; no amino-acid change (glycine 47 retained).
Molecular consequence: synonymous variant.
Genome position (GRCh38, 1-based): chr2:5,692,862, C>T. VCF-style: chr2-5692862-C-T. GRCh37 (hg19) VCF-style: chr2-5832994-C-T.
Identifiers: ClinVar variation 3730250 (VCV003730250.2).